The following is an entry in ClinVar:

NM_138927.4(SON):c.4877ATG[1] (p.Asp1627del)

Gene: SON (SON DNA and RNA binding protein; plus strand). Cytogenetic location: 21q22.11.
Variant type: Microsatellite.
Coding change: c.4877ATG[1] on transcript NM_138927.4 (MANE Select); one copy of the 3-base unit ATG starting at c.4877; the reference has two copies in a row; one copy, 3 bases deleted.
Protein change: p.Asp1627del; deletes aspartic acid 1627.
Molecular consequence: inframe deletion. On other transcripts: inframe indel (3), non-coding transcript variant (1), intron variant (1).
Genome position (GRCh38, 1-based): chr21:33,554,111-33,554,113, ATG deleted; deleting any 3 consecutive bases within chr21:33,554,108-33,554,113 gives the same sequence; the position shown is the placement nearest the transcript's 3' end. VCF-style (leftmost placement, unchanged base first): chr21-33554107-TATG-T. GRCh37 (hg19) VCF-style: chr21-34926413-TATG-T.
Other names: c.4880_4882delATG (NM_138927.2); c.4877ATG[1], p.Asp1627del (NM_001291411.2, NM_032195.3); c.4877_4879ATG[1], p.Asp1627del (NM_001412133.1, NM_058183.2, NM_138926.1); c.245-3045_245-3043del (NM_001291412.3); short protein forms D1627del.
Identifiers: ClinVar variation 2369835 (VCV002369835.6), dbSNP rs779500741, ClinGen allele CA10009615.

ClinVar aggregate classification (germline): Conflicting classifications of pathogenicity. Review status: criteria provided, conflicting classifications (1 of 4 stars). 3 submissions from 3 submitters: Uncertain significance (1); Likely benign (1). 1 of the submissions does not count toward it. Last evaluated 2024-04-05.

Conditions:
Inborn genetic diseases. Identifiers: MedGen C0950123, MeSH D030342.
SON-related disorder. Also called: SON-related condition.

Submissions (3):

Labcorp Genetics (formerly Invitae), Labcorp
Classification: Uncertain significance. Last evaluated: 2024-04-05. Review status: criteria provided, single submitter. Criteria: Invitae Variant Classification Sherloc (09022015). Collection method: clinical testing. Allele origin: germline.
Comment: This variant, c.4880_4882del, results in the deletion of 1 amino acid(s) of the SON protein (p.Asp1627del), but otherwise preserves the integrity of the reading frame. This variant is present in population databases (rs779500741, gnomAD 0.01%). This variant has not been reported in the literature in individuals affected with SON-related conditions. Experimental studies and prediction algorithms are not available or were not evaluated, and the functional significance of this variant is currently unknown. In summary, the available evidence is currently insufficient to determine the role of this variant in disease. Therefore, it has been classified as a Variant of Uncertain Significance.

Ambry Genetics
Classification: Likely benign for Inborn genetic diseases. Last evaluated: 2022-05-10. Review status: criteria provided, single submitter. Criteria: Ambry Variant Classification Scheme 2023. Collection method: clinical testing. Allele origin: germline.

PreventionGenetics, part of Exact Sciences
Classification: Likely benign for SON-related condition. Last evaluated: 2023-10-23. Review status: no assertion criteria provided. Collection method: clinical testing. Allele origin: germline. Not counted in ClinVar's aggregate classification.
Comment: This variant is classified as likely benign based on ACMG/AMP sequence variant interpretation guidelines (Richards et al. 2015 PMID: 25741868, with internal and published modifications).